The following is an entry in ClinVar:

ClinVar aggregate classification (germline): Uncertain significance (1 of 4 stars; one submission).

Submission:

GeneDx
Classification: Uncertain significance. Last evaluated: 2023-03-26. Review status: criteria provided, single submitter. Criteria: GeneDx Variant Classification Process June 2021. Collection method: clinical testing. Allele origin: germline. Affected: yes.
Comment: Not observed at significant frequency in large population cohorts (gnomAD); In silico analysis supports that this missense variant has a deleterious effect on protein structure/function; Has not been previously published as pathogenic or benign to our knowledge; This variant is associated with the following publications: (PMID: 24658002)

NM_003072.5(SMARCA4):c.3472G>A (p.Ala1158Thr)

Gene: SMARCA4 (SWI/SNF related, matrix associated, actin dependent regulator of chromatin, subfamily a, member 4; plus strand). Cytogenetic location: 19p13.2.
Variant type: single nucleotide variant.
Coding change: c.3472G>A on transcript NM_003072.5 (MANE Select); coding-DNA position 3472, G replaced by A.
Protein change: p.Ala1158Thr; replaces alanine 1158 with threonine.
Molecular consequence: missense variant. On other transcripts: non-coding transcript variant (1).
Genome position (GRCh38, 1-based): chr19:11,030,819, G>A. VCF-style: chr19-11030819-G-A. GRCh37 (hg19) VCF-style: chr19-11141495-G-A.
Other names: c.3472G>A, p.Ala1158Thr (NM_001128844.3, NM_001128845.2, NM_001128846.2 and 5 more transcripts); short protein forms A1158T.
Identifiers: ClinVar variation 1310565 (VCV001310565.3), dbSNP rs2146600703, ClinGen allele CA404063045.
Genomic context (GRCh38, chr19:11,030,819, plus strand): 5'-CTGCTGAAAACCTTCAACGAGCCCGGCTCTGAGTACTTCATCTTCCTGCTCAGCACCCGG[G>A]CTGGGGGGCTCGGCCTGAACCTCCAGTCGGCAGACACTGTGATCATTTTTGACAGCGACT-3'
Protein context (NP_003063.2, residues 1148-1168): EYFIFLLSTR[Ala1158Thr]GGLGLNLQSA